The following is an entry in ClinVar:

ClinVar aggregate classification (germline): Uncertain significance. Review status: criteria provided, multiple submitters, no conflicts (2 of 4 stars). 2 submissions from 2 submitters: Uncertain significance (2). Last evaluated 2025-06-23.

Conditions:
Cardiovascular phenotype. Identifiers: MedGen CN230736.
Hereditary cancer-predisposing syndrome. Also called: Tumor predisposition; Hereditary Cancer Syndrome; Neoplastic Syndromes, Hereditary; Hereditary neoplastic syndrome. Identifiers: Orphanet 140162, MedGen C0027672, MeSH D009386, MONDO:0015356.

Submissions (2):

Labcorp Genetics (formerly Invitae), Labcorp
Classification: Uncertain significance. Last evaluated: 2025-06-23. Review status: criteria provided, single submitter. Criteria: Invitae Variant Classification Sherloc (09022015). Collection method: clinical testing. Allele origin: germline.
Comment: This sequence change replaces glycine, which is neutral and non-polar, with valine, which is neutral and non-polar, at codon 370 of the LZTR1 protein (p.Gly370Val). Information on the frequency of this variant in the gnomAD database is not available, as this variant may be reported differently in the database. This variant has not been reported in the literature in individuals affected with LZTR1-related conditions. ClinVar contains an entry for this variant (Variation ID: 1794414). An algorithm developed to predict the effect of missense changes on protein structure and function (PolyPhen-2) suggests that this variant is likely to be tolerated. In summary, the available evidence is currently insufficient to determine the role of this variant in disease. Therefore, it has been classified as a Variant of Uncertain Significance.

Ambry Genetics
Classification: Uncertain significance for Cardiovascular phenotype; Hereditary cancer-predisposing syndrome. Last evaluated: 2022-02-01. Review status: criteria provided, single submitter. Criteria: Ambry Variant Classification Scheme 2023. Collection method: clinical testing. Allele origin: germline.
Comment: The c.1109_1110delGCinsTT variant (also known as p.G370V), located in coding exon 10 of the LZTR1 gene, results from an in-frame deletion of GC and insertion of TT at nucleotide positions 1109 to 1110. This results in the substitution of the glycine residue for a valine residue at codon 370, an amino acid with dissimilar properties. This amino acid position is highly conserved in available vertebrate species. In addition, this alteration is predicted to be neutral by in silico analysis (Choi Y et al. PLoS ONE. 2012; 7(10):e46688). Since supporting evidence is limited at this time, the clinical significance of this alteration remains unclear.

NM_006767.4(LZTR1):c.1109_1110delinsTT (p.Gly370Val)

Gene: LZTR1 (leucine zipper like post translational regulator 1; plus strand). Cytogenetic location: 22q11.21.
Variant type: Indel.
Coding change: c.1109_1110delinsTT on transcript NM_006767.4 (MANE Select); coding-DNA positions 1109 to 1110, GC replaced by TT.
Protein change: p.Gly370Val; replaces glycine 370 with valine.
Molecular consequence: missense variant.
Genome position (GRCh38, 1-based): chr22:20,992,329-20,992,330, GC replaced by TT. VCF-style: chr22-20992329-GC-TT. GRCh37 (hg19) VCF-style: chr22-21346618-GC-TT.
Other names: short protein forms G370V.
Identifiers: ClinVar variation 1794414 (VCV001794414.4), dbSNP rs2518618113, ClinGen allele CA2580099228.
Genomic context (GRCh38, chr22:20,992,329, plus strand): 5'-TGACCTATGAGGAGCGGGTTGGCTTCAAGAAGTCCCGAGATGTGTTTGGCCTGGACTTTG[GC>TT]ACCACCTCAGCCAAGCAGCCCACCCAGCCTGCCTCGGAGGTACAGGCTGGGATCCTCATT-3'
Protein context (NP_006758.2, residues 360-380): KSRDVFGLDF[Gly370Val]TTSAKQPTQP